The following is an entry in ClinVar:

ClinVar aggregate classification (germline): Uncertain significance. Review status: criteria provided, multiple submitters, no conflicts (2 of 4 stars). 3 submissions from 3 submitters: Uncertain significance (3). Last evaluated 2026-03-19.

Conditions:
Inborn genetic diseases. Identifiers: MedGen C0950123, MeSH D030342.

Allele frequency attached by ClinVar (database versions not stated): ESP Exome Variant Server 0.00008.
gnomAD v4.1: 27 of 1,613,884 alleles (0.0017%); highest among the groups gnomAD compares: African/African-American, 0.032%; no homozygotes.

Submissions (3):

GeneDx
Classification: Uncertain significance. Last evaluated: 2026-03-19. Review status: criteria provided, single submitter. Criteria: GeneDx Variant Classification Process June 2021. Collection method: clinical testing. Allele origin: germline.
Comment: In silico analysis suggests that this missense variant does not alter protein structure/function; Has not been previously published as pathogenic or benign to our knowledge

Ambry Genetics
Classification: Uncertain significance for Inborn genetic diseases. Last evaluated: 2022-11-09. Review status: criteria provided, single submitter. Criteria: Ambry Variant Classification Scheme 2023. Collection method: clinical testing. Allele origin: germline.

Labcorp Genetics (formerly Invitae), Labcorp
Classification: Uncertain significance. Last evaluated: 2022-06-19. Review status: criteria provided, single submitter. Criteria: Invitae Variant Classification Sherloc (09022015). Collection method: clinical testing. Allele origin: germline.
Comment: This sequence change replaces methionine, which is neutral and non-polar, with valine, which is neutral and non-polar, at codon 2361 of the MYO18B protein (p.Met2361Val). This variant is present in population databases (rs374438402, gnomAD 0.03%). This variant has not been reported in the literature in individuals affected with MYO18B-related conditions. Algorithms developed to predict the effect of missense changes on protein structure and function output the following: SIFT: "Not Available"; PolyPhen-2: "Benign"; Align-GVGD: "Not Available". The valine amino acid residue is found in multiple mammalian species, which suggests that this missense change does not adversely affect protein function. In summary, the available evidence is currently insufficient to determine the role of this variant in disease. Therefore, it has been classified as a Variant of Uncertain Significance.

NM_032608.7(MYO18B):c.7081A>G (p.Met2361Val)

Gene: MYO18B (myosin XVIIIB; plus strand). Cytogenetic location: 22q12.1.
Variant type: single nucleotide variant.
Coding change: c.7081A>G on transcript NM_032608.7 (MANE Select); coding-DNA position 7081, A replaced by G.
Protein change: p.Met2361Val; replaces methionine 2361 with valine.
Molecular consequence: missense variant.
Genome position (GRCh38, 1-based): chr22:26,027,055, A>G. VCF-style: chr22-26027055-A-G. GRCh37 (hg19) VCF-style: chr22-26423021-A-G.
Other names: c.7084A>G, p.Met2362Val (NM_001318245.2); c.7081A>G (NM_032608.5); short protein forms M2361V, M2362V.
Identifiers: ClinVar variation 1373009 (VCV001373009.5), dbSNP rs374438402, ClinGen allele CA10161682.